The following is an entry in ClinVar:

ClinVar aggregate classification (germline): Uncertain significance (1 of 4 stars; one submission).

gnomAD v4.1: 3 of 1,614,014 alleles (0.00019%); highest among the groups gnomAD compares: Non-Finnish European, 0.00025%; no homozygotes.

Submission:

Labcorp Genetics (formerly Invitae), Labcorp
Classification: Uncertain significance. Last evaluated: 2025-12-09. Review status: criteria provided, single submitter. Criteria: Invitae Variant Classification Sherloc (09022015). Collection method: clinical testing. Allele origin: germline.
Comment: This sequence change replaces glutamic acid, which is acidic and polar, with aspartic acid, which is acidic and polar, at codon 198 of the DHX38 protein (p.Glu198Asp). This variant is present in population databases (no rsID available, gnomAD 0.0009%). This variant has not been reported in the literature in individuals affected with DHX38-related conditions. An algorithm developed to predict the effect of missense changes on protein structure and function (PolyPhen-2) suggests that this variant is likely to be tolerated. In summary, the available evidence is currently insufficient to determine the role of this variant in disease. Therefore, it has been classified as a Variant of Uncertain Significance.

NM_014003.4(DHX38):c.594G>C (p.Glu198Asp)

Gene: DHX38 (DEAH-box helicase 38; plus strand). Cytogenetic location: 16q22.2.
Variant type: single nucleotide variant.
Coding change: c.594G>C on transcript NM_014003.4 (MANE Select); coding-DNA position 594, G replaced by C.
Protein change: p.Glu198Asp; replaces glutamic acid 198 with aspartic acid.
Molecular consequence: missense variant.
Genome position (GRCh38, 1-based): chr16:72,097,759, G>C. VCF-style: chr16-72097759-G-C. GRCh37 (hg19) VCF-style: chr16-72131658-G-C.
Other names: short protein forms E198D.
Identifiers: ClinVar variation 4711844 (VCV004711844.1).